The following is an entry in ClinVar:

NM_001291867.2(NHS):c.3397A>G (p.Ile1133Val)

Gene: NHS (NHS actin remodeling regulator; plus strand). Cytogenetic location: Xp22.13.
Variant type: single nucleotide variant.
Coding change: c.3397A>G on transcript NM_001291867.2 (MANE Select); coding-DNA position 3397, A replaced by G.
Protein change: p.Ile1133Val; replaces isoleucine 1133 with valine.
Molecular consequence: missense variant.
Genome position (GRCh38, 1-based): chrX:17,727,503, A>G. VCF-style: chrX-17727503-A-G. GRCh37 (hg19) VCF-style: chrX-17745623-A-G.
Other names: c.2866A>G, p.Ile956Val (NM_001136024.4); c.2803A>G, p.Ile935Val (NM_001291868.2); c.3334A>G, p.Ile1112Val (NM_198270.4); short protein forms I935V, I1112V, I1133V, I956V.
Identifiers: ClinVar variation 2156679 (VCV002156679.4), dbSNP rs773726473, ClinGen allele CA10358820.
Genomic context (GRCh38, chrX:17,727,503, plus strand): 5'-CATAATAAGCAGAACACAGTAGGAGAAACACTGAGGTCGAATCCTCCACCGTCCCTTGCA[A>G]TTACACCAACGATCCTGAAATCTGTTAACCTTAGGTCCATCAACAAGTCTGAAGAAGTTA-3'
Protein context (NP_001278796.1, residues 1123-1143): LRSNPPPSLA[Ile1133Val]TPTILKSVNL

ClinVar aggregate classification (germline): Uncertain significance (1 of 4 stars; one submission).

Conditions:
Nance-Horan syndrome (NHS). Identifiers: Orphanet 627, MedGen C0796085, MONDO:0010545, OMIM 302350.

Allele frequency attached by ClinVar (database versions not stated): ExAC 0.00001; gnomAD 0.00001; gnomAD exomes 0.00001; TOPMed 0.00005.
gnomAD v4.1: 14 of 1,209,932 alleles (0.0012%); highest among the groups gnomAD compares: Admixed American, 0.0022%; no homozygotes.

Submission:

Labcorp Genetics (formerly Invitae), Labcorp
Classification: Uncertain significance for Nance-Horan syndrome. Last evaluated: 2022-11-15. Review status: criteria provided, single submitter. Criteria: Invitae Variant Classification Sherloc (09022015). Collection method: clinical testing. Allele origin: germline.
Comment: In summary, the available evidence is currently insufficient to determine the role of this variant in disease. Therefore, it has been classified as a Variant of Uncertain Significance. Advanced modeling of protein sequence and biophysical properties (such as structural, functional, and spatial information, amino acid conservation, physicochemical variation, residue mobility, and thermodynamic stability) performed at Invitae indicates that this missense variant is not expected to disrupt NHS protein function. This variant has not been reported in the literature in individuals affected with NHS-related conditions. This variant is present in population databases (rs773726473, gnomAD 0.002%), including at least one homozygous and/or hemizygous individual. This sequence change replaces isoleucine, which is neutral and non-polar, with valine, which is neutral and non-polar, at codon 1112 of the NHS protein (p.Ile1112Val).